The following is an entry in ClinVar:

ClinVar aggregate classification (germline): Benign (1 of 4 stars; one submission).

Conditions:
Multiple congenital exostosis (EXT). Also called: Hereditary multiple exostoses; Hereditary multiple exostosis; Multiple osteochondromas; Multiple exostoses; MULTIPLE CARTILAGINOUS EXOSTOSES; Hereditary multiple osteochondromas. Identifiers: Orphanet 321, MedGen C0015306, MONDO:0005508, HP:0002762.

Allele frequency attached by ClinVar (database versions not stated): gnomAD 0.00009 and 0.00016; TOPMed 0.00016; gnomAD exomes 0.00022; 1000 Genomes Project 0.00120; 1000 Genomes Project 30x 0.00141.
gnomAD v4.1: 91 of 444,770 alleles (0.02%); highest among the groups gnomAD compares: East Asian, 0.24%; 1 homozygote.

Submission:

Illumina Laboratory Services, Illumina
Classification: Benign for Exostoses, multiple, type 1. Last evaluated: 2018-01-12. Review status: criteria provided, single submitter. Criteria: ICSL Variant Classification Criteria 13 December 2019. Collection method: clinical testing. Allele origin: germline.
Comment: This variant was observed in the ICSL laboratory as part of a predisposition screen in an ostensibly healthy population. It had not been previously curated by ICSL or reported in the Human Gene Mutation Database (HGMD: prior to June 1st, 2018), and was therefore a candidate for classification through an automated scoring system. Utilizing variant allele frequency, disease prevalence and penetrance estimates, and inheritance mode, an automated score was calculated to assess if this variant is too frequent to cause the disease. Based on the score and internal cut-off values, a variant classified as benign is not then subjected to further curation. The score for this variant resulted in a classification of benign for this disease.

NM_000127.3(EXT1):c.-500T>G

Gene: EXT1 (exostosin glycosyltransferase 1; minus strand). Cytogenetic location: 8q24.11.
Variant type: single nucleotide variant.
Coding change: c.-500T>G on transcript NM_000127.3 (MANE Select); 500 bases upstream of the start codon, T replaced by G.
Molecular consequence: 5 prime UTR variant.
Genome position (GRCh38, 1-based): chr8:118,111,546, A>C on the plus strand (T>G on the coding strand, the complement: EXT1 is on the minus strand). VCF-style: chr8-118111546-A-C. GRCh37 (hg19) VCF-style: chr8-119123785-A-C.
Identifiers: ClinVar variation 361670 (VCV000361670.5), dbSNP rs372210548, ClinGen allele CA10630109.